The following is an entry in ClinVar:

NM_004991.4(MECOM):c.1997C>A (p.Ala666Asp)

Gene: MECOM (MDS1 and EVI1 complex locus; minus strand). Cytogenetic location: 3q26.2.
Variant type: single nucleotide variant.
Coding change: c.1997C>A on transcript NM_004991.4 (MANE Select); coding-DNA position 1997, C replaced by A.
Protein change: p.Ala666Asp; replaces alanine 666 with aspartic acid.
Molecular consequence: missense variant. On other transcripts: intron variant (2).
Genome position (GRCh38, 1-based): chr3:169,115,875, G>T on the plus strand (C>A on the coding strand, the complement: MECOM is on the minus strand). VCF-style: chr3-169115875-G-T. GRCh37 (hg19) VCF-style: chr3-168833663-G-T.
Other names: c.1628C>A, p.Ala543Asp (NM_001105077.4); c.1433C>A, p.Ala478Asp (NM_001105078.4, NM_001164000.2, NM_001205194.2 and 4 more transcripts); c.1436C>A, p.Ala479Asp (NM_001163999.2, NM_001366467.2, NM_001366468.2 and 1 more transcripts); c.1997C>A, p.Ala666Asp (NM_001366466.2); c.1133-108C>A (NM_001366473.2); c.569-108C>A (NM_001366474.2); short protein forms A666D, A478D, A479D, A543D.
Identifiers: ClinVar variation 4105924 (VCV004105924.1).

ClinVar aggregate classification (germline): Uncertain significance (1 of 4 stars; one submission).

Conditions:
Inborn genetic diseases. Identifiers: MedGen C0950123, MeSH D030342.

Submission:

Ambry Genetics
Classification: Uncertain significance for Inborn genetic diseases. Last evaluated: 2025-09-12. Review status: criteria provided, single submitter. Criteria: Ambry Variant Classification Scheme 2023. Collection method: clinical testing. Allele origin: germline.
Comment: The p.A666D variant (also known as c.1997C>A), located in coding exon 8 of the MECOM gene, results from a C to A substitution at nucleotide position 1997. The alanine at codon 666 is replaced by aspartic acid, an amino acid with dissimilar properties. This amino acid position is conserved. In addition, this alteration is predicted to be deleterious by in silico analysis. Based on the available evidence, the clinical significance of this variant remains unclear.